The following is an entry in ClinVar:

NM_138694.4(PKHD1):c.8378T>C (p.Val2793Ala)

Gene: PKHD1 (PKHD1 ciliary IPT domain containing fibrocystin/polyductin; minus strand). Cytogenetic location: 6p12.3.
Variant type: single nucleotide variant.
Coding change: c.8378T>C on transcript NM_138694.4 (MANE Select); coding-DNA position 8378, T replaced by C.
Protein change: p.Val2793Ala; replaces valine 2793 with alanine.
Molecular consequence: missense variant.
Genome position (GRCh38, 1-based): chr6:51,791,298, A>G on the plus strand (T>C on the coding strand, the complement: PKHD1 is on the minus strand). VCF-style: chr6-51791298-A-G. GRCh37 (hg19) VCF-style: chr6-51656096-A-G.
Other names: c.8378T>C, p.Val2793Ala (NM_170724.3); short protein forms V2793A.
Identifiers: ClinVar variation 1489299 (VCV001489299.5), dbSNP rs2151262174, ClinGen allele CA364441520.
Genomic context (GRCh38, chr6:51,791,298, plus strand): 5'-ACTTTCAGCTCCCCGCCTGCAATGACCATGCATGCCACACTCAGAACATTGCTTCTGTCC[A>G]CAGGGAAGTCTAAGGTCCCCATCACATACAGCCCTTTGAAGAATGGAAGATCTGTATCCA-3'
Protein context (NP_619639.3, residues 2783-2803): LYVMGTLDFP[Val2793Ala]DRSNVLSVAC

ClinVar aggregate classification (germline): Uncertain significance (1 of 4 stars; one submission).

Conditions:
Autosomal recessive polycystic kidney disease (ARPKD). Also called: AR polycystic kidney disease. Identifiers: Orphanet 731, Orphanet 8378, MedGen C0085548, MeSH D017044, MONDO:0009889.

gnomAD v4.1: 2 of 1,613,930 alleles (0.00012%); highest among the groups gnomAD compares: African/African-American, 0.0027%; no homozygotes.

Submission:

Labcorp Genetics (formerly Invitae), Labcorp
Classification: Uncertain significance for Autosomal recessive polycystic kidney disease. Last evaluated: 2021-08-27. Review status: criteria provided, single submitter. Criteria: Invitae Variant Classification Sherloc (09022015). Collection method: clinical testing. Allele origin: germline.
Comment: This sequence change replaces valine with alanine at codon 2793 of the PKHD1 protein (p.Val2793Ala). The valine residue is moderately conserved and there is a small physicochemical difference between valine and alanine. This variant is not present in population databases (ExAC no frequency). This variant has not been reported in the literature in individuals affected with PKHD1-related conditions. Advanced modeling of protein sequence and biophysical properties (such as structural, functional, and spatial information, amino acid conservation, physicochemical variation, residue mobility, and thermodynamic stability) performed at Invitae indicates that this missense variant is not expected to disrupt PKHD1 protein function. In summary, the available evidence is currently insufficient to determine the role of this variant in disease. Therefore, it has been classified as a Variant of Uncertain Significance.